The following is an entry in ClinVar:

NM_000138.5(FBN1):c.8226+5G>T

Gene: FBN1 (fibrillin 1; minus strand). Cytogenetic location: 15q21.1.
Variant type: single nucleotide variant.
Coding change: c.8226+5G>T on transcript NM_000138.5 (MANE Select); 5 bases into the intron after coding-DNA position 8226, G replaced by T.
Molecular consequence: intron variant.
Genome position (GRCh38, 1-based): chr15:48,412,564, C>A on the plus strand (G>T on the coding strand, the complement: FBN1 is on the minus strand). VCF-style: chr15-48412564-C-A. GRCh37 (hg19) VCF-style: chr15-48704761-C-A.
Identifiers: ClinVar variation 36127 (VCV000036127.3), dbSNP rs193922243, ClinGen allele CA017644.

ClinVar aggregate classification (germline): Uncertain significance (1 of 4 stars; one submission).

Conditions:
Marfan syndrome (MFS). Also called: FBN1-Related Marfan Syndrome; Marfan syndrome type 1; Marfan's syndrome; Marfan syndrome, classic; MARFAN SYNDROME, TYPE I. Identifiers: Orphanet 284963, Orphanet 558, MedGen C0024796, MONDO:0007947, OMIM 154700.

Submission:

Women's Health and Genetics/Laboratory Corporation of America, LabCorp
Classification: Uncertain significance for Marfan Syndrome. Last evaluated: 2011-08-18. Review status: criteria provided, single submitter. Criteria: LabCorp Variant Classification Summary - May 2015. Collection method: curation, clinical testing. Allele origin: germline. Inheritance: autosomal unknown. Affected: yes.
ClinVar note: Converted during submission from uncertain to Uncertain significance.